The following is an entry in ClinVar:

NM_020822.3(KCNT1):c.3060C>T (p.Arg1020=)

Gene: KCNT1 (potassium sodium-activated channel subfamily T member 1; plus strand). Cytogenetic location: 9q34.3.
Variant type: single nucleotide variant.
Coding change: c.3060C>T on transcript NM_020822.3 (MANE Select); coding-DNA position 3060, C replaced by T.
Protein change: p.Arg1020=; no amino-acid change (arginine 1020 retained).
Molecular consequence: synonymous variant.
Genome position (GRCh38, 1-based): chr9:135,784,793, C>T. VCF-style: chr9-135784793-C-T. GRCh37 (hg19) VCF-style: chr9-138676639-C-T.
Other names: c.2925C>T, p.Arg975= (NM_001272003.2).
Identifiers: ClinVar variation 1879747 (VCV001879747.32), dbSNP rs762253079, ClinGen allele CA5327600.

ClinVar aggregate classification (germline): Likely benign. Review status: criteria provided, multiple submitters, no conflicts (2 of 4 stars). 2 submissions from 2 submitters: Likely benign (2). Last evaluated 2024-02-21.

Conditions:
Autosomal dominant nocturnal frontal lobe epilepsy 5. Also called: Epilepsy, nocturnal frontal lobe, 5; KCNT1-Related Epilepsy; CILIARY DYSKINESIA, PRIMARY, 28, WITHOUT SITUS INVERSUS; CILIARY DYSKINESIA, PRIMARY, 28, WITH SITUS INVERSUS. Identifiers: Orphanet 98784, MedGen C3554306, MONDO:0014002, OMIM 615005.
Developmental and epileptic encephalopathy, 14 (DEE14). Also called: Early infantile epileptic encephalopathy 14. Identifiers: Orphanet 293181, MedGen C3554195, MONDO:0013989, OMIM 614959.

Allele frequency attached by ClinVar (database versions not stated): TOPMed below 0.00001; gnomAD 0.00001; gnomAD exomes 0.00001.
gnomAD v4.1: 16 of 1,612,706 alleles (0.00099%); highest among the groups gnomAD compares: South Asian, 0.012%; no homozygotes.

Submissions (2):

Labcorp Genetics (formerly Invitae), Labcorp
Classification: Likely benign for Autosomal dominant nocturnal frontal lobe epilepsy 5; Developmental and epileptic encephalopathy, 14. Last evaluated: 2024-02-21. Review status: criteria provided, single submitter. Criteria: Invitae Variant Classification Sherloc (09022015). Collection method: clinical testing. Allele origin: germline.

CeGaT Center for Human Genetics Tuebingen
Classification: Likely benign. Last evaluated: 2022-11-01. Review status: criteria provided, single submitter. Criteria: CeGaT Center For Human Genetics Tuebingen Variant Classification Criteria Version 2. Collection method: clinical testing. Allele origin: germline. Affected: yes. Observed: 1 variant allele.
Comment: KCNT1: BP4, BP7